The following is an entry in ClinVar:

NM_006031.6(PCNT):c.1761+10C>T

Gene: PCNT (pericentrin; plus strand). Cytogenetic location: 21q22.3.
Variant type: single nucleotide variant.
Coding change: c.1761+10C>T on transcript NM_006031.6 (MANE Select); 10 bases into the intron after coding-DNA position 1761, C replaced by T.
Molecular consequence: intron variant.
Genome position (GRCh38, 1-based): chr21:46,354,078, C>T. VCF-style: chr21-46354078-C-T. GRCh37 (hg19) VCF-style: chr21-47773992-C-T.
Other names: c.1761+10C>T (NM_006031.5); c.1407+10C>T (NM_001315529.2).
Identifiers: ClinVar variation 2959981 (VCV002959981.5), dbSNP rs774593841, ClinGen allele CA10078732.
Genomic context (GRCh38, chr21:46,354,078, plus strand): 5'-GAGAAAGGAAGAAAAGATCACGTTGATGAACTCGAGCCTGAGCGACATAAGGTAATTGGC[C>T]GCGCGCTGAGAAGTGGGGGAGTCCTGTGCTCTTGACCTTCCAGCCCTGCGTCTTCCACAT-3'

ClinVar aggregate classification (germline): Likely benign. Review status: criteria provided, single submitter (1 of 4 stars). 2 submissions from 2 submitters: Likely benign (1). 1 of the submissions does not count toward it. Last evaluated 2023-02-07.

Conditions:
PCNT-related disorder. Also called: PCNT-related condition.

Allele frequency attached by ClinVar (database versions not stated): gnomAD 0.00002; TOPMed 0.00002.
gnomAD v4.1: 23 of 1,612,428 alleles (0.0014%); highest among the groups gnomAD compares: East Asian, 0.0022%; no homozygotes.

Submissions (2):

Labcorp Genetics (formerly Invitae), Labcorp
Classification: Likely benign. Last evaluated: 2023-02-07. Review status: criteria provided, single submitter. Criteria: Invitae Variant Classification Sherloc (09022015). Collection method: clinical testing. Allele origin: germline.

PreventionGenetics, part of Exact Sciences
Classification: Likely benign for PCNT-related condition. Last evaluated: 2022-11-09. Review status: no assertion criteria provided. Collection method: clinical testing. Allele origin: germline. Not counted in ClinVar's aggregate classification.
Comment: This variant is classified as likely benign based on ACMG/AMP sequence variant interpretation guidelines (Richards et al. 2015 PMID: 25741868, with internal and published modifications).